The following is an entry in ClinVar:

NM_033028.5(BBS4):c.863C>T (p.Ala288Val)

Gene: BBS4 (Bardet-Biedl syndrome 4; plus strand). Cytogenetic location: 15q24.1.
Variant type: single nucleotide variant.
Coding change: c.863C>T on transcript NM_033028.5 (MANE Select); coding-DNA position 863, C replaced by T.
Protein change: p.Ala288Val; replaces alanine 288 with valine.
Molecular consequence: missense variant. On other transcripts: non-coding transcript variant (2).
Genome position (GRCh38, 1-based): chr15:72,731,456, C>T. VCF-style: chr15-72731456-C-T. GRCh37 (hg19) VCF-style: chr15-73023797-C-T.
Other names: c.347C>T, p.Ala116Val (NM_001252678.2); c.794C>T, p.Ala265Val (NM_001320665.2); short protein forms A265V, A116V, A288V.
Identifiers: ClinVar variation 1503607 (VCV001503607.3), dbSNP rs772051835, ClinGen allele CA7646808.
Genomic context (GRCh38, chr15:72,731,456, plus strand): 5'-AAAGTCCTCCACTCTGGAATAACATTGGAATGTGTTTCTTTGGCAAGAAGAAATATGTGG[C>T]GGTGAGTGTCCCCTCATGTTCTTTGTTTGTATTTCTACATGTGGTTATTGGGTCTGTTTA-3'
Protein context (NP_149017.2, residues 278-298): MCFFGKKKYV[Ala288Val]AISCLKRANY

ClinVar aggregate classification (germline): Uncertain significance (1 of 4 stars; one submission).

Conditions:
Bardet-Biedl syndrome (BBS). Identifiers: Orphanet 110, MedGen C0752166, MONDO:0015229.

Allele frequency attached by ClinVar (database versions not stated): TOPMed below 0.00001; ExAC 0.00001; gnomAD 0.00001.
gnomAD v4.1: 31 of 1,614,014 alleles (0.0019%); highest among the groups gnomAD compares: East Asian, 0.0045%; no homozygotes.

Submission:

Labcorp Genetics (formerly Invitae), Labcorp
Classification: Uncertain significance for Bardet-Biedl syndrome. Last evaluated: 2021-09-15. Review status: criteria provided, single submitter. Criteria: Invitae Variant Classification Sherloc (09022015). Collection method: clinical testing. Allele origin: germline.
Comment: This sequence change replaces alanine with valine at codon 288 of the BBS4 protein (p.Ala288Val). The alanine residue is highly conserved and there is a small physicochemical difference between alanine and valine. This variant is present in population databases (rs772051835, ExAC 0.01%). This variant has not been reported in the literature in individuals affected with BBS4-related conditions. Algorithms developed to predict the effect of missense changes on protein structure and function are either unavailable or do not agree on the potential impact of this missense change (SIFT: "Tolerated"; PolyPhen-2: "Probably Damaging"; Align-GVGD: "Class C0"). In summary, the available evidence is currently insufficient to determine the role of this variant in disease. Therefore, it has been classified as a Variant of Uncertain Significance.